The following is an entry in ClinVar:

ClinVar aggregate classification (germline): Conflicting classifications of pathogenicity. Review status: criteria provided, conflicting classifications (1 of 4 stars). 3 submissions from 3 submitters: Uncertain significance (1); Likely benign (2). Last evaluated 2026-01-06.

Conditions:
GLI3-related disorder. Also called: GLI3-related condition; GLI3-related disorders. Identifiers: MedGen CN239292.
Inborn genetic diseases. Identifiers: MedGen C0950123, MeSH D030342.
Greig cephalopolysyndactyly syndrome (GCPS). Also called: POLYSYNDACTYLY WITH PECULIAR SKULL SHAPE; Greig syndrome; GLI3-Related Greig Cephalopolysyndactyly Syndrome. Identifiers: Orphanet 380, MedGen C0265306, MONDO:0008287, OMIM 175700.
Pallister-Hall syndrome (PHS). Also called: HYPOTHALAMIC HAMARTOBLASTOMA, HYPOPITUITARISM, IMPERFORATE ANUS, AND POSTAXIAL POLYDACTYLY; GLI3-Related Pallister-Hall Syndrome. Identifiers: Orphanet 672, MedGen C0265220, MONDO:0007804, OMIM 146510.

gnomAD v4.1: 21 of 1,613,300 alleles (0.0013%); highest among the groups gnomAD compares: Admixed American, 0.032%; 1 homozygote.

Submissions (3):

Labcorp Genetics (formerly Invitae), Labcorp
Classification: Likely benign for Pallister-Hall syndrome; Greig cephalopolysyndactyly syndrome. Last evaluated: 2026-01-06. Review status: criteria provided, single submitter. Criteria: Invitae Variant Classification Sherloc (09022015). Collection method: clinical testing. Allele origin: germline.

Ambry Genetics
Classification: Likely benign for Inborn genetic diseases. Last evaluated: 2025-08-01. Review status: criteria provided, single submitter. Criteria: Ambry Variant Classification Scheme 2023. Collection method: clinical testing. Allele origin: germline.

PreventionGenetics, part of Exact Sciences
Classification: Uncertain significance for GLI3-related condition. Last evaluated: 2025-07-01. Review status: criteria provided, single submitter. Criteria: ACMG Guidelines, 2015. Collection method: clinical testing. Allele origin: germline.
Comment: The GLI3 c.126G>T variant is predicted to result in the amino acid substitution p.Glu42Asp. To our knowledge, this variant has not been reported in the literature. This variant is reported in 0.035% of alleles in individuals of Latino descent in gnomAD, including one homozygote, which may be too frequent to be a primary cause of disease. Although we suspect that this variant may be benign, at this time, the clinical significance of this variant is uncertain due to the absence of conclusive functional and genetic evidence.

NM_000168.6(GLI3):c.126G>T (p.Glu42Asp)

Gene: GLI3 (GLI family zinc finger 3; minus strand). Cytogenetic location: 7p14.1.
Variant type: single nucleotide variant.
Coding change: c.126G>T on transcript NM_000168.6 (MANE Select); coding-DNA position 126, G replaced by T.
Protein change: p.Glu42Asp; replaces glutamic acid 42 with aspartic acid.
Molecular consequence: missense variant.
Genome position (GRCh38, 1-based): chr7:42,148,467, C>A on the plus strand (G>T on the coding strand, the complement: GLI3 is on the minus strand). VCF-style: chr7-42148467-C-A. GRCh37 (hg19) VCF-style: chr7-42188066-C-A.
Other names: short protein forms E42D.
Identifiers: ClinVar variation 4264136 (VCV004264136.3).